The following is an entry in ClinVar:

ClinVar aggregate classification (germline): Benign/Likely benign. Review status: criteria provided, multiple submitters, no conflicts (2 of 4 stars). 2 submissions from 2 submitters: Benign (1); Likely benign (1). Last evaluated 2024-11-10.

Conditions:
Birt-Hogg-Dube syndrome 1 (BHD1). Also called: FIBROFOLLICULOMAS WITH TRICHODISCOMAS AND ACROCHORDONS. Identifiers: Orphanet 122, MedGen CN375946, MONDO:0800445, OMIM 135150.
Birt-Hogg-Dube syndrome. Also called: Birt Hogg Dubé syndrome. Identifiers: Orphanet 122, MedGen C0346010, MONDO:0800444.

Allele frequency attached by ClinVar (database versions not stated): ExAC 0.00001; gnomAD 0.00001.
gnomAD v4.1: 8 of 1,614,048 alleles (0.0005%); highest among the groups gnomAD compares: South Asian, 0.0066%; no homozygotes.

Submissions (2):

Labcorp Genetics (formerly Invitae), Labcorp
Classification: Likely benign for Birt-Hogg-Dube syndrome. Last evaluated: 2024-11-10. Review status: criteria provided, single submitter. Criteria: Invitae Variant Classification Sherloc (09022015). Collection method: clinical testing. Allele origin: germline.

Myriad Genetics, Inc.
Classification: Benign for Birt-Hogg-Dube syndrome 1. Last evaluated: 2024-10-23. Review status: criteria provided, single submitter. Criteria: Myriad Autosomal Dominant, Autosomal Recessive and X-Linked Classification Criteria (2023). Collection method: clinical testing. Allele origin: unknown.
Comment: This variant is considered benign. This variant is a silent/synonymous amino acid change and it is not expected to impact splicing.

NM_144997.7(FLCN):c.933T>C (p.Pro311=)

Gene: FLCN (folliculin; minus strand). Cytogenetic location: 17p11.2.
Variant type: single nucleotide variant.
Coding change: c.933T>C on transcript NM_144997.7 (MANE Select); coding-DNA position 933, T replaced by C.
Protein change: p.Pro311=; no amino-acid change (proline 311 retained).
Molecular consequence: synonymous variant.
Genome position (GRCh38, 1-based): chr17:17,219,148, A>G on the plus strand (T>C on the coding strand, the complement: FLCN is on the minus strand). VCF-style: chr17-17219148-A-G. GRCh37 (hg19) VCF-style: chr17-17122462-A-G.
Other names: c.987T>C, p.Pro329= (NM_001353229.2); c.933T>C, p.Pro311= (NM_001353230.2, NM_001353231.2).
Identifiers: ClinVar variation 2165908 (VCV002165908.5), dbSNP rs769183979, ClinGen allele CA8416192.
Genomic context (GRCh38, chr17:17,219,148, plus strand): 5'-AGAGGAGGACTCTGCCGGGCCCTGGGTCAGCTCCCGCCCTTCTGTACTCTCTGGCAACAC[A>G]GGGGCTTTCTCCTCCTCTTCAGCCTCAGAGTTGTCCCAGCTTTCTGATTCCTCTTCTAAA-3'
Protein context (NP_659434.2, residues 301-321): NSEAEEEEKA[Pro311=]VLPESTEGRE